The following is an entry in ClinVar:

ClinVar aggregate classification (germline): Pathogenic (1 of 4 stars; one submission).

Conditions:
Glycogen storage disease IV, classic hepatic. Also called: GSD IV, CLASSIC HEPATIC. Identifiers: MedGen C1856301.
Glycogen storage disease, type IV (GSD4). Also called: Glycogen storage disease due to glycogen branching enzyme deficiency; AMYLOPECTINOSIS; ANDERSEN DISEASE; BRANCHER DEFICIENCY; CIRRHOSIS, FAMILIAL, WITH DEPOSITION OF ABNORMAL GLYCOGEN; GBE1 DEFICIENCY. Identifiers: Orphanet 367, MedGen C0017923, MONDO:0009292, OMIM 232500.

Submission:

Labcorp Genetics (formerly Invitae), Labcorp
Classification: Pathogenic for Glycogen storage disease, type IV; Glycogen storage disease IV, classic hepatic. Last evaluated: 2022-02-07. Review status: criteria provided, single submitter. Criteria: Invitae Variant Classification Sherloc (09022015). Collection method: clinical testing. Allele origin: germline.
Comment: This variant has not been reported in the literature in individuals affected with GBE1-related conditions. For these reasons, this variant has been classified as Pathogenic. This variant is not present in population databases (gnomAD no frequency). This sequence change creates a premature translational stop signal (p.Trp344*) in the GBE1 gene. It is expected to result in an absent or disrupted protein product. Loss-of-function variants in GBE1 are known to be pathogenic (PMID: 15452297, 20058079).

Literature cited by the submitters: PubMed 15452297; PubMed 20058079.

NM_000158.4(GBE1):c.1032G>A (p.Trp344Ter)

Gene: GBE1 (1,4-alpha-glucan branching enzyme 1; minus strand). Cytogenetic location: 3p12.2.
Variant type: single nucleotide variant.
Coding change: c.1032G>A on transcript NM_000158.4 (MANE Select); coding-DNA position 1032, G replaced by A.
Protein change: p.Trp344Ter; replaces tryptophan 344 with a stop codon.
Molecular consequence: nonsense.
Genome position (GRCh38, 1-based): chr3:81,593,984, C>T on the plus strand (G>A on the coding strand, the complement: GBE1 is on the minus strand). VCF-style: chr3-81593984-C-T. GRCh37 (hg19) VCF-style: chr3-81643135-C-T.
Other names: short protein forms W344*.
Identifiers: ClinVar variation 1454397 (VCV001454397.6), dbSNP rs2106957076, ClinGen allele CA353685885.